The following is an entry in ClinVar:

NM_007294.4(BRCA1):c.3943C>G (p.Pro1315Ala)

Genes: BRCA1 (BRCA1 DNA repair associated; minus strand), LOC126862571 (BRD4-independent group 4 enhancer GRCh37_chr17:41243136-41244335; plus strand). Cytogenetic location: 17q21.31.
Variant type: single nucleotide variant.
Coding change: c.3943C>G on transcript NM_007294.4 (MANE Select); coding-DNA position 3943, C replaced by G.
Protein change: p.Pro1315Ala; replaces proline 1315 with alanine.
Molecular consequence: missense variant. On other transcripts: intron variant (135).
Genome position (GRCh38, 1-based): chr17:43,091,588, G>C on the plus strand (C>G on the coding strand, the complement: BRCA1 is on the minus strand). VCF-style: chr17-43091588-G-C. GRCh37 (hg19) VCF-style: chr17-41243605-G-C.
Other names: c.3817C>G, p.Pro1273Ala (NM_001407941.1, NM_001407649.1, NM_001407670.1 and 11 more transcripts); c.3802C>G, p.Pro1268Ala (NM_001407942.1, NM_001407944.1, NM_001407945.1 and 29 more transcripts); c.785-556C>G (NM_001408407.1, NM_001408402.1, NM_001408473.1 and 13 more transcripts); c.3799C>G, p.Pro1267Ala (NM_001407943.1, NM_001407740.1, NM_001407741.1 and 20 more transcripts); c.3610C>G, p.Pro1204Ala (NM_001407948.1, NM_001407947.1, NM_001407946.1 and 6 more transcripts); c.665-556C>G (NM_001408443.1, NM_001408439.1, NM_001408425.1 and 12 more transcripts); c.788-556C>G (NM_001408403.1, NM_001407983.1, NM_001407975.1 and 17 more transcripts); c.671-556C>G (NM_001408419.1, NM_001408422.1, NM_001408418.1 and 2 more transcripts); and 41 more; short protein forms P1188A, P1203A, P1204A, P1245A, P1268A, P1274A, P1273A, P1288A.
Identifiers: ClinVar variation 2450687 (VCV002450687.5), dbSNP rs2154275698, ClinGen allele CA10594075.

ClinVar aggregate classification (germline): Uncertain significance. Review status: criteria provided, multiple submitters, no conflicts (2 of 4 stars). 2 submissions from 2 submitters: Uncertain significance (2). Last evaluated 2023-08-16.

Conditions:
Hereditary cancer-predisposing syndrome. Also called: Neoplastic Syndromes, Hereditary; Tumor predisposition; Hereditary neoplastic syndrome; Hereditary Cancer Syndrome. Identifiers: Orphanet 140162, MedGen C0027672, MeSH D009386, MONDO:0015356.
Hereditary breast ovarian cancer syndrome. Also called: Hereditary breast and/or ovarian cancer syndrome; BRCA1- and BRCA2-Associated Hereditary Breast and Ovarian Cancer; Hereditary breast and ovarian cancer syndrome; Hereditary breast and ovarian cancer; Hereditary breast and ovarian cancer syndrome (HBOC); Breast and ovarian cancer. Identifiers: Orphanet 145, MedGen C0677776, MeSH D061325, MONDO:0003582. Disease mechanism: loss of function.

Submissions (2):

Labcorp Genetics (formerly Invitae), Labcorp
Classification: Uncertain significance for Hereditary breast ovarian cancer syndrome. Last evaluated: 2023-08-16. Review status: criteria provided, single submitter. Criteria: Invitae Variant Classification Sherloc (09022015). Collection method: clinical testing. Allele origin: germline.
Comment: This sequence change replaces proline, which is neutral and non-polar, with alanine, which is neutral and non-polar, at codon 1315 of the BRCA1 protein (p.Pro1315Ala). This variant is not present in population databases (gnomAD no frequency). This variant has not been reported in the literature in individuals affected with BRCA1-related conditions. ClinVar contains an entry for this variant (Variation ID: 2450687). Advanced modeling of protein sequence and biophysical properties (such as structural, functional, and spatial information, amino acid conservation, physicochemical variation, residue mobility, and thermodynamic stability) performed at Invitae indicates that this missense variant is not expected to disrupt BRCA1 protein function. In summary, the available evidence is currently insufficient to determine the role of this variant in disease. Therefore, it has been classified as a Variant of Uncertain Significance.

Ambry Genetics
Classification: Uncertain significance for Hereditary cancer-predisposing syndrome. Last evaluated: 2023-02-09. Review status: criteria provided, single submitter. Criteria: Ambry Variant Classification Scheme 2023. Collection method: clinical testing. Allele origin: germline.
Comment: The p.P1315A variant (also known as c.3943C>G), located in coding exon 9 of the BRCA1 gene, results from a C to G substitution at nucleotide position 3943. The proline at codon 1315 is replaced by alanine, an amino acid with highly similar properties. This amino acid position is not well conserved in available vertebrate species. In addition, the in silico prediction for this alteration is inconclusive. Since supporting evidence is limited at this time, the clinical significance of this alteration remains unclear.